The following is an entry in ClinVar:

NM_019892.6(INPP5E):c.34G>C (p.Glu12Gln)

Gene: INPP5E (inositol polyphosphate-5-phosphatase E; minus strand). Cytogenetic location: 9q34.3.
Variant type: single nucleotide variant.
Coding change: c.34G>C on transcript NM_019892.6 (MANE Select); coding-DNA position 34, G replaced by C.
Protein change: p.Glu12Gln; replaces glutamic acid 12 with glutamine.
Molecular consequence: missense variant.
Genome position (GRCh38, 1-based): chr9:136,439,386, C>G on the plus strand (G>C on the coding strand, the complement: INPP5E is on the minus strand). VCF-style: chr9-136439386-C-G. GRCh37 (hg19) VCF-style: chr9-139333838-C-G.
Other names: c.34G>C, p.Glu12Gln (NM_001318502.2); short protein forms E12Q.
Identifiers: ClinVar variation 1039501 (VCV001039501.8), dbSNP rs1835935570, ClinGen allele CA375571934.

ClinVar aggregate classification (germline): Uncertain significance (1 of 4 stars; one submission).

Conditions:
Joubert syndrome. Also called: Familial aplasia of the vermis; CEREBELLOPARENCHYMAL DISORDER IV; JOUBERT-BOLTSHAUSER SYNDROME. Identifiers: Orphanet 475, MedGen C5979921, MONDO:0018772.

Submission:

Labcorp Genetics (formerly Invitae), Labcorp
Classification: Uncertain significance for Joubert syndrome. Last evaluated: 2023-08-10. Review status: criteria provided, single submitter. Criteria: Invitae Variant Classification Sherloc (09022015). Collection method: clinical testing. Allele origin: germline.
Comment: In summary, the available evidence is currently insufficient to determine the role of this variant in disease. Therefore, it has been classified as a Variant of Uncertain Significance. Advanced modeling of protein sequence and biophysical properties (such as structural, functional, and spatial information, amino acid conservation, physicochemical variation, residue mobility, and thermodynamic stability) has been performed at Invitae for this missense variant, however the output from this modeling did not meet the statistical confidence thresholds required to predict the impact of this variant on INPP5E protein function. ClinVar contains an entry for this variant (Variation ID: 1039501). This variant has not been reported in the literature in individuals affected with INPP5E-related conditions. This variant is not present in population databases (gnomAD no frequency). This sequence change replaces glutamic acid, which is acidic and polar, with glutamine, which is neutral and polar, at codon 12 of the INPP5E protein (p.Glu12Gln).